The following is an entry in ClinVar:

NM_005228.5(EGFR):c.2232C>T (p.Ile744=)

Gene: EGFR (epidermal growth factor receptor; plus strand). Cytogenetic location: 7p11.2.
Variant type: single nucleotide variant.
Coding change: c.2232C>T on transcript NM_005228.5 (MANE Select); coding-DNA position 2232, C replaced by T.
Protein change: p.Ile744=; no amino-acid change (isoleucine 744 retained).
Molecular consequence: synonymous variant.
Genome position (GRCh38, 1-based): chr7:55,174,769, C>T. VCF-style: chr7-55174769-C-T. GRCh37 (hg19) VCF-style: chr7-55242462-C-T.
Other names: c.2097C>T, p.Ile699= (NM_001346897.2, NM_001346899.2); c.2232C>T, p.Ile744= (NM_001346898.2); c.2073C>T, p.Ile691= (NM_001346900.2); c.1431C>T, p.Ile477= (NM_001346941.2).
Identifiers: ClinVar variation 45232 (VCV000045232.13), dbSNP rs397517093, ClinGen allele CA135791.

ClinVar aggregate classification (germline): Benign/Likely benign. Review status: criteria provided, multiple submitters, no conflicts (2 of 4 stars). 3 submissions from 3 submitters: Benign (1); Likely benign (1). 1 of the submissions does not count toward it. Last evaluated 2024-10-16.

Conditions:
Lung cancer. Also called: Malignant tumor of lung; Lung cancer, somatic. Identifiers: MedGen C0242379, MONDO:0008903, OMIM 211980.
EGFR-related lung cancer (EGFR). Identifiers: MedGen CN130014.

Submissions (3):

Myriad Genetics, Inc.
Classification: Benign for Lung cancer. Last evaluated: 2024-10-16. Review status: criteria provided, single submitter. Criteria: Myriad Autosomal Dominant, Autosomal Recessive and X-Linked Classification Criteria (2023). Collection method: clinical testing. Allele origin: unknown.
Comment: This variant is considered benign. This variant is a silent/synonymous amino acid change and it is not expected to impact splicing.

Labcorp Genetics (formerly Invitae), Labcorp
Classification: Likely benign for EGFR-related lung cancer. Last evaluated: 2020-03-03. Review status: criteria provided, single submitter. Criteria: Invitae Variant Classification Sherloc (09022015). Collection method: clinical testing. Allele origin: germline.

Laboratory for Molecular Medicine, Mass General Brigham Personalized Medicine
Classification: Likely benign. Last evaluated: 2008-03-01. Review status: no assertion criteria provided. Collection method: clinical testing. Allele origin: somatic. Observed: 1 variant allele. Not counted in ClinVar's aggregate classification.